The following is an entry in ClinVar:

NM_017433.5(MYO3A):c.2054G>A (p.Arg685His)

Gene: MYO3A (myosin IIIA; plus strand). Cytogenetic location: 10p12.1.
Variant type: single nucleotide variant.
Coding change: c.2054G>A on transcript NM_017433.5 (MANE Select); coding-DNA position 2054, G replaced by A.
Protein change: p.Arg685His; replaces arginine 685 with histidine.
Molecular consequence: missense variant.
Genome position (GRCh38, 1-based): chr10:26,125,548, G>A. VCF-style: chr10-26125548-G-A. GRCh37 (hg19) VCF-style: chr10-26414477-G-A.
Other names: short protein forms R685H.
Identifiers: ClinVar variation 3017243 (VCV003017243.4), dbSNP rs371085032, ClinGen allele CA5444853.

ClinVar aggregate classification (germline): Uncertain significance. Review status: criteria provided, multiple submitters, no conflicts (2 of 4 stars). 2 submissions from 2 submitters: Uncertain significance (2). Last evaluated 2026-04-14.

Allele frequency attached by ClinVar (database versions not stated): ExAC 0.00001; gnomAD 0.00003; TOPMed 0.00005; ESP Exome Variant Server 0.00008.
gnomAD v4.1: 24 of 1,613,858 alleles (0.0015%); highest among the groups gnomAD compares: Middle Eastern, 0.033%; no homozygotes.

Submissions (2):

Women's Health and Genetics/Laboratory Corporation of America, LabCorp
Classification: Uncertain significance. Last evaluated: 2026-04-14. Review status: criteria provided, single submitter. Criteria: LabCorp Variant Classification Summary - May 2015. Collection method: clinical testing. Allele origin: germline.
Comment: Variant summary: MYO3A c.2054G>A (p.Arg685His) results in a non-conservative amino acid change in the encoded protein sequence. Algorithms developed to predict the effect of missense changes on protein structure and function all suggest that this variant is likely to be disruptive. The variant allele was found at a frequency of 8e-06 in 251294 control chromosomes. The available data on variant occurrences in the general population are insufficient to allow any conclusion about variant significance. To our knowledge, no occurrence of c.2054G>A in individuals affected with MYO3A-related conditions and no experimental evidence demonstrating its impact on protein function have been reported. ClinVar contains an entry for this variant (Variation ID: 3017243). Based on the evidence outlined above, the variant was classified as uncertain significance.

Labcorp Genetics (formerly Invitae), Labcorp
Classification: Uncertain significance. Last evaluated: 2023-12-02. Review status: criteria provided, single submitter. Criteria: Invitae Variant Classification Sherloc (09022015). Collection method: clinical testing. Allele origin: germline.
Comment: This sequence change replaces arginine, which is basic and polar, with histidine, which is basic and polar, at codon 685 of the MYO3A protein (p.Arg685His). This variant is present in population databases (rs371085032, gnomAD 0.01%). This variant has not been reported in the literature in individuals affected with MYO3A-related conditions. Advanced modeling of protein sequence and biophysical properties (such as structural, functional, and spatial information, amino acid conservation, physicochemical variation, residue mobility, and thermodynamic stability) performed at Invitae indicates that this missense variant is not expected to disrupt MYO3A protein function with a negative predictive value of 80%. In summary, the available evidence is currently insufficient to determine the role of this variant in disease. Therefore, it has been classified as a Variant of Uncertain Significance.